The following is an entry in ClinVar:

NM_000455.5(STK11):c.634A>G (p.Thr212Ala)

Gene: STK11 (serine/threonine kinase 11; plus strand). Cytogenetic location: 19p13.3.
Variant type: single nucleotide variant.
Coding change: c.634A>G on transcript NM_000455.5 (MANE Select); coding-DNA position 634, A replaced by G.
Protein change: p.Thr212Ala; replaces threonine 212 with alanine.
Molecular consequence: missense variant.
Genome position (GRCh38, 1-based): chr19:1,220,617, A>G. VCF-style: chr19-1220617-A-G. GRCh37 (hg19) VCF-style: chr19-1220616-A-G.
Other names: short protein forms T212A.
Identifiers: ClinVar variation 1301324 (VCV001301324.4), dbSNP rs1300171938, ClinGen allele CA402949540.
Genomic context (GRCh38, chr19:1,220,617, plus strand): 5'-GAGGGCTGCACGGCACCGCCACAGGCACTGCACCCGTTCGCGGCGGACGACACCTGCCGG[A>G]CCAGCCAGGGCTCCCCGGCTTTCCAGCCGCCCGAGATTGCCAACGGCCTGGACACCTTCT-3'
Protein context (NP_000446.1, residues 202-222): HPFAADDTCR[Thr212Ala]SQGSPAFQPP

ClinVar aggregate classification (germline): Uncertain significance. Review status: criteria provided, multiple submitters, no conflicts (2 of 4 stars). 2 submissions from 2 submitters: Uncertain significance (2). Last evaluated 2025-07-27.

Conditions:
Peutz-Jeghers syndrome (PJS). Also called: Peutz-Jeghers polyposis; Periorificial lentiginosis syndrome; POLYPOSIS, HAMARTOMATOUS INTESTINAL; POLYPS-AND-SPOTS SYNDROME. Identifiers: Orphanet 2869, MedGen C0031269, MeSH D010580, MONDO:0008280, OMIM 175200.

Submissions (2):

Labcorp Genetics (formerly Invitae), Labcorp
Classification: Uncertain significance for Peutz-Jeghers syndrome. Last evaluated: 2025-07-27. Review status: criteria provided, single submitter. Criteria: Invitae Variant Classification Sherloc (09022015). Collection method: clinical testing. Allele origin: germline.
Comment: This sequence change replaces threonine, which is neutral and polar, with alanine, which is neutral and non-polar, at codon 212 of the STK11 protein (p.Thr212Ala). This variant is not present in population databases (gnomAD no frequency). This variant has not been reported in the literature in individuals affected with STK11-related conditions. ClinVar contains an entry for this variant (Variation ID: 1301324). Invitae Evidence Modeling of protein sequence and biophysical properties (such as structural, functional, and spatial information, amino acid conservation, physicochemical variation, residue mobility, and thermodynamic stability) has been performed for this missense variant. However, the output from this modeling did not meet the statistical confidence thresholds required to predict the impact of this variant on STK11 protein function. In summary, the available evidence is currently insufficient to determine the role of this variant in disease. Therefore, it has been classified as a Variant of Uncertain Significance.

Women's Health and Genetics/Laboratory Corporation of America, LabCorp
Classification: Uncertain significance. Last evaluated: 2021-09-11. Review status: criteria provided, single submitter. Criteria: LabCorp Variant Classification Summary - May 2015. Collection method: clinical testing. Allele origin: germline.
Comment: Variant summary: STK11 c.634A>G (p.Thr212Ala) results in a non-conservative amino acid change in the encoded protein sequence. Three of five in-silico tools predict a benign effect of the variant on protein function. The variant was absent in 225526 control chromosomes. The available data on variant occurrences in the general population are insufficient to allow any conclusion about variant significance. To our knowledge, no occurrence of c.634A>G in individuals affected with Peutz-Jeghers Syndrome and no experimental evidence demonstrating its impact on protein function have been reported. No clinical diagnostic laboratories have submitted clinical-significance assessments for this variant to ClinVar after 2014. Based on the evidence outlined above, the variant was classified as uncertain significance.